The following is an entry in ClinVar:

ClinVar aggregate classification (germline): Uncertain significance (1 of 4 stars; one submission).

Conditions:
Fanconi anemia (FA). Also called: Fanconi's anemia. Identifiers: Orphanet 84, MedGen C0015625, MeSH D005199, MONDO:0019391.

Submission:

Labcorp Genetics (formerly Invitae), Labcorp
Classification: Uncertain significance for Fanconi anemia. Last evaluated: 2021-12-03. Review status: criteria provided, single submitter. Criteria: Invitae Variant Classification Sherloc (09022015). Collection method: clinical testing. Allele origin: germline.
Comment: In summary, the available evidence is currently insufficient to determine the role of this variant in disease. Therefore, it has been classified as a Variant of Uncertain Significance. Experimental studies and prediction algorithms are not available or were not evaluated, and the functional significance of this variant is currently unknown. This variant has not been reported in the literature in individuals affected with FANCI-related conditions. This variant is not present in population databases (gnomAD no frequency). This variant, c.3864_3869del, results in the deletion of 2 amino acid(s) of the FANCI protein (p.Ile1289_Lys1290del), but otherwise preserves the integrity of the reading frame.

NM_001113378.2(FANCI):c.3864_3869del (p.Ile1289_Lys1290del)

Gene: FANCI (FA complementation group I; plus strand). Cytogenetic location: 15q26.1.
Variant type: Deletion.
Coding change: c.3864_3869del on transcript NM_001113378.2 (MANE Select); coding-DNA positions 3864 to 3869, 6 bases deleted (GATCAA; older notation c.3864_3869delGATCAA).
Protein change: p.Ile1289_Lys1290del.
Molecular consequence: inframe deletion.
Genome position (GRCh38, 1-based): chr15:89,315,329-89,315,334, GATCAA deleted; deleting any 6 consecutive bases within chr15:89,315,325-89,315,334 gives the same sequence; the c. name uses the placement nearest the transcript's 3' end. VCF-style (leftmost placement, unchanged base first): chr15-89315324-TTCAAGA-T. GRCh37 (hg19) VCF-style: chr15-89858555-TTCAAGA-T.
Other names: c.3585_3590del, p.Ile1196_Lys1197del (NM_001376910.1); c.3864_3869del, p.Ile1289_Lys1290del (NM_001376911.1); c.3684_3689del, p.Ile1229_Lys1230del (NM_018193.3).
Identifiers: ClinVar variation 1396190 (VCV001396190.6), dbSNP rs2152030819, ClinGen allele CA2573151239.